The following is an entry in ClinVar:

NM_000536.4(RAG2):c.140_141delinsTG (p.His47Leu)

Gene: RAG2 (recombination activating 2; minus strand). Cytogenetic location: 11p12.
Variant type: Indel.
Coding change: c.140_141delinsTG on transcript NM_000536.4 (MANE Select); coding-DNA positions 140 to 141, AT replaced by TG.
Protein change: p.His47Leu; replaces histidine 47 with leucine.
Molecular consequence: missense variant.
Genome position (GRCh38, 1-based): chr11:36,594,028-36,594,029, AT replaced by CA on the plus strand (AT replaced by TG on the coding strand, the reverse complement: RAG2 is on the minus strand). VCF-style: chr11-36594028-AT-CA. GRCh37 (hg19) VCF-style: chr11-36615578-AT-CA.
Other names: c.140_141delinsTG, p.His47Leu (NM_001243785.2, NM_001243786.2); short protein forms H47L.
Identifiers: ClinVar variation 2139453 (VCV002139453.2), dbSNP rs2494799542, ClinGen allele CA2580084116.

ClinVar aggregate classification (germline): Uncertain significance (1 of 4 stars; one submission).

Conditions:
Severe combined immunodeficiency, autosomal recessive, T cell-negative, B cell-negative, NK cell-positive. Also called: SCID, T CELL-NEGATIVE, B CELL-NEGATIVE, NK CELL-POSITIVE; SCID, AR, T-cell negative, B-cell negative, NK cell-positive; Severe combined immunodeficiency due to complete RAG1/2 deficiency. Identifiers: Orphanet 331206, MedGen C1832322, MONDO:0011086, OMIM 601457.
Combined immunodeficiency with skin granulomas. Identifiers: Orphanet 157949, MedGen C2673536, MONDO:0009306, OMIM 233650.

Submission:

Labcorp Genetics (formerly Invitae), Labcorp
Classification: Uncertain significance for Combined immunodeficiency with skin granulomas; Severe combined immunodeficiency, autosomal recessive, T cell-negative, B cell-negative, NK cell-positive. Last evaluated: 2024-01-11. Review status: criteria provided, single submitter. Criteria: Invitae Variant Classification Sherloc (09022015). Collection method: clinical testing. Allele origin: germline.
Comment: This sequence change replaces histidine, which is basic and polar, with leucine, which is neutral and non-polar, at codon 47 of the RAG2 protein (p.His47Leu). This variant is present in population databases (no rsID available, gnomAD 0.009%). This variant has not been reported in the literature in individuals affected with RAG2-related conditions. ClinVar contains an entry for this variant (Variation ID: 2139453). An algorithm developed to predict the effect of missense changes on protein structure and function (PolyPhen-2) suggests that this variant is likely to be disruptive. In summary, the available evidence is currently insufficient to determine the role of this variant in disease. Therefore, it has been classified as a Variant of Uncertain Significance.